The following is an entry in ClinVar:

NM_002890.3(RASA1):c.692+6T>G

Genes: CCNH (cyclin H; minus strand), RASA1 (RAS p21 protein activator 1; plus strand). Cytogenetic location: 5q14.3.
Variant type: single nucleotide variant.
Coding change: c.692+6T>G on transcript NM_002890.3 (MANE Select); 6 bases into the intron after coding-DNA position 692, T replaced by G.
Molecular consequence: intron variant.
Genome position (GRCh38, 1-based): chr5:87,331,506, T>G. VCF-style: chr5-87331506-T-G. GRCh37 (hg19) VCF-style: chr5-86627323-T-G.
Other names: c.161+6T>G (NM_022650.3); c.934-18711A>C (NM_001364075.2).
Identifiers: ClinVar variation 2909610 (VCV002909610.3), dbSNP rs1757596281, ClinGen allele CA1561579222.

ClinVar aggregate classification (germline): Uncertain significance (1 of 4 stars; one submission).

Conditions:
Capillary malformation-arteriovenous malformation syndrome. Also called: Capillary malformation-arteriovenous malformation. Identifiers: Orphanet 137667, MedGen C1842180, MONDO:0012016.

Allele frequency attached by ClinVar (database versions not stated): TOPMed below 0.00001; gnomAD exomes 0.00001.
gnomAD v4.1: 3 of 1,613,472 alleles (0.00019%); highest among the groups gnomAD compares: Non-Finnish European, 0.00025%; no homozygotes.

Submission:

Labcorp Genetics (formerly Invitae), Labcorp
Classification: Uncertain significance for Capillary malformation-arteriovenous malformation syndrome. Last evaluated: 2023-05-28. Review status: criteria provided, single submitter. Criteria: Invitae Variant Classification Sherloc (09022015). Collection method: clinical testing. Allele origin: germline.
Comment: Variants that disrupt the consensus splice site are a relatively common cause of aberrant splicing (PMID: 17576681, 9536098). Algorithms developed to predict the effect of sequence changes on RNA splicing suggest that this variant is not likely to affect RNA splicing. In summary, the available evidence is currently insufficient to determine the role of this variant in disease. Therefore, it has been classified as a Variant of Uncertain Significance. This variant has not been reported in the literature in individuals affected with RASA1-related conditions. This variant is not present in population databases (gnomAD no frequency). This sequence change falls in intron 2 of the RASA1 gene. It does not directly change the encoded amino acid sequence of the RASA1 protein. It affects a nucleotide within the consensus splice site.

Literature cited by the submitters: PubMed 17576681; PubMed 9536098.